The following is an entry in ClinVar:

ClinVar aggregate classification (germline): Uncertain significance (1 of 4 stars; one submission).

Conditions:
Exostoses, multiple, type 2 (EXT2). Also called: Hereditary Multiple Osteochondromatosis, Type II; EXOSTOSES, MULTIPLE, TYPE II. Identifiers: Orphanet 321, MedGen C1851413, MONDO:0007586, OMIM 133701.

Submission:

Labcorp Genetics (formerly Invitae), Labcorp
Classification: Uncertain significance for Exostoses, multiple, type 2. Last evaluated: 2025-10-29. Review status: criteria provided, single submitter. Criteria: Invitae Variant Classification Sherloc (09022015). Collection method: clinical testing. Allele origin: germline.
Comment: This sequence change replaces phenylalanine, which is neutral and non-polar, with leucine, which is neutral and non-polar, at codon 352 of the EXT2 protein (p.Phe352Leu). This variant is not present in population databases (gnomAD no frequency). This variant has not been reported in the literature in individuals affected with EXT2-related conditions. Invitae Evidence Modeling of protein sequence and biophysical properties (such as structural, functional, and spatial information, amino acid conservation, physicochemical variation, residue mobility, and thermodynamic stability) has been performed for this missense variant. However, the output from this modeling did not meet the statistical confidence thresholds required to predict the impact of this variant on EXT2 protein function. In summary, the available evidence is currently insufficient to determine the role of this variant in disease. Therefore, it has been classified as a Variant of Uncertain Significance.

NM_207122.2(EXT2):c.1054T>C (p.Phe352Leu)

Gene: EXT2 (exostosin glycosyltransferase 2; plus strand). Cytogenetic location: 11p11.2.
Variant type: single nucleotide variant.
Coding change: c.1054T>C on transcript NM_207122.2 (MANE Select); coding-DNA position 1054, T replaced by C.
Protein change: p.Phe352Leu; replaces phenylalanine 352 with leucine.
Molecular consequence: missense variant.
Genome position (GRCh38, 1-based): chr11:44,126,930, T>C. VCF-style: chr11-44126930-T-C. GRCh37 (hg19) VCF-style: chr11-44148480-T-C.
Other names: c.1054T>C, p.Phe352Leu (NM_001389630.1, NM_001178083.3, NM_001389628.1); c.1153T>C, p.Phe385Leu (NM_000401.3); short protein forms F352L, F385L.
Identifiers: ClinVar variation 4709569 (VCV004709569.1).